The following is an entry in ClinVar:

ClinVar aggregate classification (germline): Pathogenic (1 of 4 stars; one submission).

Conditions:
Jervell and Lange-Nielsen syndrome 1 (JLNS1). Also called: PROLONGED QT INTERVAL IN EKG AND SUDDEN DEATH; SURDO-CARDIAC SYNDROME; CARDIOAUDITORY SYNDROME OF JERVELL AND LANGE-NIELSEN; DEAFNESS, CONGENITAL, AND FUNCTIONAL HEART DISEASE. Identifiers: Orphanet 768, Orphanet 90647, MedGen C4551509, MONDO:0024540, OMIM 220400.

Submission:

Biotechnology Research Center, Pasteur Institute of Iran
Classification: Pathogenic for Jervell and Lange-Nielsen syndrome 1. Review status: criteria provided, single submitter. Criteria: ACMG Guidelines, 2015. Collection method: research. Allele origin: germline. Inheritance: Autosomal recessive inheritance. Affected: yes and no. Observed: 6 variant alleles, 4 heterozygotes, 2 homozygotes. Clinical features observed: Congenital sensorineural hearing impairment, Syncope, Prolonged QT interval.
Comment: According to the ACMG standards and guidelines these findings are evidence of pathogenicity. 1: The mutation in the family was a LOF in the KCNQ1 gene where LOF is a known mechanism of JLNS (PVS1). 2: The mutation has never been reported in ExAC or 1000G (PM2) 3: this KCNQ1 gene mutation results in the truncated protein (PM4)

Literature cited by the submitters: PubMed 29372044.

NM_000218.3(KCNQ1):c.1534del (p.Ala512fs)

Gene: KCNQ1 (potassium voltage-gated channel subfamily Q member 1; plus strand). Cytogenetic location: 11p15.5.
Variant type: Deletion.
Coding change: c.1534del on transcript NM_000218.3 (MANE Select); coding-DNA position 1534, one base deleted (G; older notation c.1534delG).
Protein change: p.Ala512fs; shifts the reading frame from alanine 512.
Molecular consequence: frameshift variant.
Genome position (GRCh38, 1-based): chr11:2,768,863, G deleted; the last of 3 consecutive G bases (chr11:2,768,861-2,768,863); deleting any one gives the same sequence. VCF-style (leftmost placement, unchanged base first): chr11-2768860-CG-C. GRCh37 (hg19) VCF-style: chr11-2790090-CG-C.
Other names: c.1438delG, p.Ala480Profs (NM_001406836.1); c.1264delG, p.Ala422Profs (NM_001406837.1); c.994delG, p.Ala332Profs (NM_001406838.1); c.1153delG, p.Ala385Profs (NM_181798.2); short protein forms A385fs, A512fs.
Identifiers: ClinVar variation 430941 (VCV000430941.4), dbSNP rs1554919471, ClinGen allele CA658683667.